The following is an entry in ClinVar:

ClinVar aggregate classification (germline): Uncertain significance (1 of 4 stars; one submission).

Allele frequency attached by ClinVar (database versions not stated): TOPMed 0.00001; ExAC 0.00001.
gnomAD v4.1: 1 of 1,605,414 alleles (0.000062%); highest among the groups gnomAD compares: Non-Finnish European, 0.000085%; no homozygotes.

Submission:

Labcorp Genetics (formerly Invitae), Labcorp
Classification: Uncertain significance. Last evaluated: 2022-04-12. Review status: criteria provided, single submitter. Criteria: Invitae Variant Classification Sherloc (09022015). Collection method: clinical testing. Allele origin: germline.
Comment: This sequence change replaces methionine, which is neutral and non-polar, with threonine, which is neutral and polar, at codon 353 of the RPS6KC1 protein (p.Met353Thr). This variant is present in population databases (rs765974995, gnomAD 0.0009%). This variant has not been reported in the literature in individuals affected with RPS6KC1-related conditions. Algorithms developed to predict the effect of missense changes on protein structure and function (SIFT, PolyPhen-2, Align-GVGD) all suggest that this variant is likely to be tolerated. In summary, the available evidence is currently insufficient to determine the role of this variant in disease. Therefore, it has been classified as a Variant of Uncertain Significance.

NM_012424.6(RPS6KC1):c.1058T>C (p.Met353Thr)

Gene: RPS6KC1 (ribosomal protein S6 kinase C1; plus strand). Cytogenetic location: 1q32.3.
Variant type: single nucleotide variant.
Coding change: c.1058T>C on transcript NM_012424.6 (MANE Select); coding-DNA position 1058, T replaced by C.
Protein change: p.Met353Thr; replaces methionine 353 with threonine.
Molecular consequence: missense variant. On other transcripts: initiator codon variant (4), non-coding transcript variant (3), intron variant (11).
Genome position (GRCh38, 1-based): chr1:213,230,510, T>C. VCF-style: chr1-213230510-T-C. GRCh37 (hg19) VCF-style: chr1-213403853-T-C.
Other names: c.1022T>C, p.Met341Thr (NM_001136138.4); c.422T>C, p.Met141Thr (NM_001287218.3, NM_001287219.3, NM_001349654.2); c.515T>C, p.Met172Thr (NM_001287221.3, NM_001349648.2, NM_001349649.2 and 4 more transcripts); c.965T>C, p.Met322Thr (NM_001349646.2); c.695T>C, p.Met232Thr (NM_001349647.2); c.167T>C, p.Met56Thr (NM_001349657.2, NM_001349658.2); c.2T>C, p.Met1Thr (NM_001349659.2, NM_001349660.2, NM_001349661.2 and 1 more transcripts); c.-170-10192T>C (NM_001349669.2, NM_001349666.2, NM_001349664.2 and 8 more transcripts); short protein forms M1T, M353T, M141T, M232T, M341T, M172T, M322T, M56T.
Identifiers: ClinVar variation 2109545 (VCV002109545.5), dbSNP rs765974995, ClinGen allele CA1387366.